The following is an entry in ClinVar:

ClinVar aggregate classification (germline): Likely benign (1 of 4 stars; one submission).

Allele frequency attached by ClinVar (database versions not stated): gnomAD 0.00053; ESP Exome Variant Server 0.00058; ExAC 0.00074; 1000 Genomes Project 30x 0.00172; 1000 Genomes Project 0.00220.

Submission:

CeGaT Center for Human Genetics Tuebingen
Classification: Likely benign. Last evaluated: 2023-03-01. Review status: criteria provided, single submitter. Criteria: CeGaT Center For Human Genetics Tuebingen Variant Classification Criteria Version 2. Collection method: clinical testing. Allele origin: germline. Affected: yes. Observed: 1 variant allele.
Comment: AHNAK2: BP4, BS2

NM_138420.4(AHNAK2):c.5075T>G (p.Val1692Gly)

Gene: AHNAK2 (AHNAK nucleoprotein 2; minus strand). Cytogenetic location: 14q32.33.
Variant type: single nucleotide variant.
Coding change: c.5075T>G on transcript NM_138420.4 (MANE Select); coding-DNA position 5075, T replaced by G.
Protein change: p.Val1692Gly; replaces valine 1692 with glycine.
Molecular consequence: missense variant.
Genome position (GRCh38, 1-based): chr14:104,950,376, A>C on the plus strand (T>G on the coding strand, the complement: AHNAK2 is on the minus strand). VCF-style: chr14-104950376-A-C. GRCh37 (hg19) VCF-style: chr14-105416713-A-C.
Other names: c.4775T>G, p.Val1592Gly (NM_001350929.2); short protein forms V1592G, V1692G.
Identifiers: ClinVar variation 2644807 (VCV002644807.24), dbSNP rs201030252, ClinGen allele CA7382012.